The following is an entry in ClinVar:

NM_006767.4(LZTR1):c.904G>C (p.Ala302Pro)

Gene: LZTR1 (leucine zipper like post translational regulator 1; plus strand). Cytogenetic location: 22q11.21.
Variant type: single nucleotide variant.
Coding change: c.904G>C on transcript NM_006767.4 (MANE Select); coding-DNA position 904, G replaced by C.
Protein change: p.Ala302Pro; replaces alanine 302 with proline.
Molecular consequence: missense variant.
Genome position (GRCh38, 1-based): chr22:20,991,740, G>C. VCF-style: chr22-20991740-G-C. GRCh37 (hg19) VCF-style: chr22-21346029-G-C.
Other names: short protein forms A302P.
Identifiers: ClinVar variation 4745763 (VCV004745763.1).
Genomic context (GRCh38, chr22:20,991,740, plus strand): 5'-CAGCGGCGCTACGGGCATACCATGGTGGCCTTTGACCGCCACCTCTATGTGTTTGGGGGT[G>C]CGGCCGACAACACGCTGCCCAACGAGCTGCACTGCTATGACGTGGACTTCCAGACCTGGG-3'
Protein context (NP_006758.2, residues 292-312): FDRHLYVFGG[Ala302Pro]ADNTLPNELH

ClinVar aggregate classification (germline): Uncertain significance (1 of 4 stars; one submission).

Submission:

Labcorp Genetics (formerly Invitae), Labcorp
Classification: Uncertain significance. Last evaluated: 2025-08-13. Review status: criteria provided, single submitter. Criteria: Invitae Variant Classification Sherloc (09022015). Collection method: clinical testing. Allele origin: germline.
Comment: This sequence change replaces alanine, which is neutral and non-polar, with proline, which is neutral and non-polar, at codon 302 of the LZTR1 protein (p.Ala302Pro). This variant is not present in population databases (gnomAD no frequency). This variant has not been reported in the literature in individuals affected with LZTR1-related conditions. Invitae Evidence Modeling of protein sequence and biophysical properties (such as structural, functional, and spatial information, amino acid conservation, physicochemical variation, residue mobility, and thermodynamic stability) indicates that this missense variant is not expected to disrupt LZTR1 protein function with a negative predictive value of 80%. In summary, the available evidence is currently insufficient to determine the role of this variant in disease. Therefore, it has been classified as a Variant of Uncertain Significance.